The following is an entry in ClinVar:

NM_004281.4(BAG3):c.176C>G (p.Pro59Arg)

Gene: BAG3 (BAG cochaperone 3; plus strand). Cytogenetic location: 10q26.11.
Variant type: single nucleotide variant.
Coding change: c.176C>G on transcript NM_004281.4 (MANE Select); coding-DNA position 176, C replaced by G.
Protein change: p.Pro59Arg; replaces proline 59 with arginine.
Molecular consequence: missense variant.
Genome position (GRCh38, 1-based): chr10:119,651,851, C>G. VCF-style: chr10-119651851-C-G. GRCh37 (hg19) VCF-style: chr10-121411363-C-G.
Other names: short protein forms P59R.
Identifiers: ClinVar variation 2090075 (VCV002090075.4), dbSNP rs763170023, ClinGen allele CA378294337.

ClinVar aggregate classification (germline): Uncertain significance (1 of 4 stars; one submission).

Conditions:
Dilated cardiomyopathy 1HH (CMD1HH). Identifiers: Orphanet 154, MedGen C3151293, MONDO:0013479, OMIM 613881.
Myofibrillar myopathy 6. Identifiers: Orphanet 199340, MedGen C2751831, MONDO:0013061, OMIM 612954.

Submission:

Labcorp Genetics (formerly Invitae), Labcorp
Classification: Uncertain significance for Dilated cardiomyopathy 1HH; Myofibrillar myopathy 6. Last evaluated: 2022-03-14. Review status: criteria provided, single submitter. Criteria: Invitae Variant Classification Sherloc (09022015). Collection method: clinical testing. Allele origin: germline.
Comment: In summary, the available evidence is currently insufficient to determine the role of this variant in disease. Therefore, it has been classified as a Variant of Uncertain Significance. Algorithms developed to predict the effect of missense changes on protein structure and function are either unavailable or do not agree on the potential impact of this missense change (SIFT: "Tolerated"; PolyPhen-2: "Possibly Damaging"; Align-GVGD: "Class C0"). This variant has not been reported in the literature in individuals affected with BAG3-related conditions. This variant is not present in population databases (gnomAD no frequency). This sequence change replaces proline, which is neutral and non-polar, with arginine, which is basic and polar, at codon 59 of the BAG3 protein (p.Pro59Arg).